The following is an entry in ClinVar:

NM_006206.6(PDGFRA):c.2186G>A (p.Gly729Asp)

Gene: PDGFRA (platelet derived growth factor receptor alpha; plus strand). Cytogenetic location: 4q12.
Variant type: single nucleotide variant.
Coding change: c.2186G>A on transcript NM_006206.6 (MANE Select); coding-DNA position 2186, G replaced by A.
Protein change: p.Gly729Asp; replaces glycine 729 with aspartic acid.
Molecular consequence: missense variant.
Genome position (GRCh38, 1-based): chr4:54,280,345, G>A. VCF-style: chr4-54280345-G-A. GRCh37 (hg19) VCF-style: chr4-55146512-G-A.
Other names: c.2186G>A, p.Gly729Asp (NM_001347827.2, NM_001347829.2); c.2261G>A, p.Gly754Asp (NM_001347828.2); c.2225G>A, p.Gly742Asp (NM_001347830.2); short protein forms G729D, G742D, G754D.
Identifiers: ClinVar variation 2677579 (VCV002677579.3), dbSNP rs1458825658, ClinGen allele CA356894256.

ClinVar aggregate classification (germline): Uncertain significance. Review status: criteria provided, multiple submitters, no conflicts (2 of 4 stars). 2 submissions from 2 submitters: Uncertain significance (2). Last evaluated 2024-09-15.

Conditions:
Polyps, multiple and recurrent inflammatory fibroid, gastrointestinal. Identifiers: MedGen C5193005, MONDO:0008285, OMIM 175510.
Gastrointestinal stromal tumor. Also called: Gastrointestinal stromal tumor, somatic; Gastrointestinal stroma tumor. Identifiers: Orphanet 44890, MedGen C0238198, MeSH D046152, MONDO:0011719, OMIM 606764, HP:0100723.

gnomAD v4.1: 3 of 1,613,704 alleles (0.00019%); highest among the groups gnomAD compares: South Asian, 0.0022%; no homozygotes.

Submissions (2):

Labcorp Genetics (formerly Invitae), Labcorp
Classification: Uncertain significance for Gastrointestinal stromal tumor. Last evaluated: 2024-09-15. Review status: criteria provided, single submitter. Criteria: Invitae Variant Classification Sherloc (09022015). Collection method: clinical testing. Allele origin: germline.
Comment: This sequence change replaces glycine, which is neutral and non-polar, with aspartic acid, which is acidic and polar, at codon 729 of the PDGFRA protein (p.Gly729Asp). This variant is present in population databases (no rsID available, gnomAD 0.003%). This variant has not been reported in the literature in individuals affected with PDGFRA-related conditions. Invitae Evidence Modeling of protein sequence and biophysical properties (such as structural, functional, and spatial information, amino acid conservation, physicochemical variation, residue mobility, and thermodynamic stability) has been performed for this missense variant. However, the output from this modeling did not meet the statistical confidence thresholds required to predict the impact of this variant on PDGFRA protein function. In summary, the available evidence is currently insufficient to determine the role of this variant in disease. Therefore, it has been classified as a Variant of Uncertain Significance.

Baylor Genetics
Classification: Uncertain significance for Polyps, multiple and recurrent inflammatory fibroid, gastrointestinal. Last evaluated: 2023-09-13. Review status: criteria provided, single submitter. Criteria: ACMG Guidelines, 2015. Collection method: clinical testing. Allele origin: unknown.